The following is an entry in ClinVar:

NM_000051.4(ATM):c.8408del (p.Lys2803fs)

Genes: C11orf65 (chromosome 11 open reading frame 65; minus strand), ATM (ATM serine/threonine kinase; plus strand). Cytogenetic location: 11q22.3.
Variant type: Deletion.
Coding change: c.8408del on transcript NM_000051.4 (MANE Select); coding-DNA position 8408, one base deleted (A; older notation c.8408delA).
Protein change: p.Lys2803fs; shifts the reading frame from lysine 2803.
Molecular consequence: frameshift variant. On other transcripts: intron variant (2).
Genome position (GRCh38, 1-based): chr11:108,343,361, A deleted; the last of 4 consecutive A bases (chr11:108,343,358-108,343,361); deleting any one gives the same sequence. VCF-style (leftmost placement, unchanged base first): chr11-108343357-CA-C. GRCh37 (hg19) VCF-style: chr11-108214084-CA-C.
Other names: c.8408del, p.Lys2803fs (NM_001351834.2); c.641-34287del (NM_001330368.2); c.695-8066del (NM_001351110.2); short protein forms K2803fs.
Identifiers: ClinVar variation 689356 (VCV000689356.5), dbSNP rs1591249359, ClinGen allele CA915948321.

ClinVar aggregate classification (germline): Pathogenic. Review status: criteria provided, multiple submitters, no conflicts (2 of 4 stars). 3 submissions from 3 submitters: Pathogenic (3). Last evaluated 2024-02-02.

Conditions:
Hereditary cancer-predisposing syndrome. Also called: Tumor predisposition; Hereditary neoplastic syndrome; Neoplastic Syndromes, Hereditary; Hereditary Cancer Syndrome. Identifiers: Orphanet 140162, MedGen C0027672, MeSH D009386, MONDO:0015356.
Familial cancer of breast. Also called: Hereditary breast cancer; BREAST CANCER, FAMILIAL; hereditary breast carcinoma. Identifiers: Orphanet 227535, MedGen C0346153, MONDO:0016419, OMIM 114480. Disease mechanism: loss of function.

Submissions (3):

Myriad Genetics, Inc.
Classification: Pathogenic for Familial cancer of breast. Last evaluated: 2024-02-02. Review status: criteria provided, single submitter. Criteria: Myriad Autosomal Dominant, Autosomal Recessive and X-Linked Classification Criteria (2023). Collection method: clinical testing. Allele origin: unknown.
Comment: This variant is considered pathogenic. This variant creates a frameshift predicted to result in premature protein truncation.

Ambry Genetics
Classification: Pathogenic for Hereditary cancer-predisposing syndrome. Last evaluated: 2023-12-28. Review status: criteria provided, single submitter. Criteria: Ambry Variant Classification Scheme 2023. Collection method: clinical testing. Allele origin: germline.
Comment: The c.8408delA pathogenic mutation, located in coding exon 56 of the ATM gene, results from a deletion of one nucleotide at nucleotide position 8408, causing a translational frameshift with a predicted alternate stop codon (p.K2803Rfs*3). This alteration has been reported in the homozygous state in a patient affected with ataxia-telangiectasia with a personal history of Hodgkin lymphoma (Stankovic T et al. Am. J. Hum. Genet. 1998 Feb;62:334-45). Of note, this alteration is also designated as 8405delA in the published literature. This variant is considered to be rare based on population cohorts in the Genome Aggregation Database (gnomAD). In addition to the clinical data presented in the literature, this alteration is expected to result in loss of function by premature protein truncation or nonsense-mediated mRNA decay. As such, this alteration is interpreted as a disease-causing mutation.

Academic Department of Medical Genetics, University of Cambridge
Classification: Pathogenic for Hereditary cancer-predisposing syndrome. Last evaluated: 2018-01-26. Review status: criteria provided, single submitter. Criteria: ACMG Guidelines, 2015. Collection method: research. Allele origin: germline. Affected: yes. Observed: 1 heterozygote.
Comment: Application of AMCG guidelines 2015. Used other ClinVar submission evidence where relevant. Loss of heterozygosity in tumours or immunohistochemistry abnormalities considered functional evidence of pathogenicity.

Identified as part of research study of individuals with multiple primary tumours referred for genetic assessment

Literature cited by the submitters: PubMed 29909963 (cited by Ambry Genetics).